The following is an entry in ClinVar:

NM_006231.4(POLE):c.910-6_910-4delinsCGG

Gene: POLE (DNA polymerase epsilon, catalytic subunit; minus strand). Cytogenetic location: 12q24.33.
Variant type: Indel.
Coding change: c.910-6_910-4delinsCGG on transcript NM_006231.4 (MANE Select); 6 bases into the intron before coding-DNA position 910 through 4 bases into the intron before coding-DNA position 910, GGC replaced by CGG.
Molecular consequence: intron variant.
Genome position (GRCh38, 1-based): chr12:132,676,208-132,676,210, GCC replaced by CCG on the plus strand (GGC replaced by CGG on the coding strand, the reverse complement: POLE is on the minus strand). VCF-style: chr12-132676208-GCC-CCG. GRCh37 (hg19) VCF-style: chr12-133252794-GCC-CCG.
Identifiers: ClinVar variation 5027042 (VCV005027042.1).
Genomic context (GRCh38, chr12:132,676,208, plus strand): 5'-GAACTCAAAATCTTCAATATCTTCTGAAACAATCTCCCTGTTGGTGATGAGGTAGCCCTA[GCC>CCG]AAGTTCATTAGCAATCAGCACAAGTCAGAGGCTGCAAAGCCAAGAAATGGCGTTCCCACC-3'

ClinVar aggregate classification (germline): Uncertain significance (1 of 4 stars; one submission).

Conditions:
Hereditary cancer-predisposing syndrome. Also called: Neoplastic Syndromes, Hereditary; Tumor predisposition; Hereditary neoplastic syndrome; Hereditary Cancer Syndrome. Identifiers: Orphanet 140162, MedGen C0027672, MeSH D009386, MONDO:0015356.

Submission:

Ambry Genetics
Classification: Uncertain significance for Hereditary cancer-predisposing syndrome. Last evaluated: 2026-08-05. Review status: criteria provided, single submitter. Criteria: Ambry Variant Classification Scheme 2023. Collection method: clinical testing. Allele origin: germline.
Comment: The c.910-6_910-4delGGCinsCGG intronic variant begins 4 nucleotides before coding exon 10 in the POLE gene. This variant results from a deletion of 3 nucleotides and insertion of 3 nucleotides at positions c.910-4 to c.910-6. This nucleotide region is not well conserved in available vertebrate species. In silico splice site analysis predicts that this alteration will not have any significant effect on splicing. Based on the available evidence, the clinical significance of this variant remains unclear.